The following is an entry in ClinVar:

ClinVar aggregate classification (germline): Pathogenic (1 of 4 stars; one submission).

Conditions:
Renal cysts and diabetes syndrome (RCAD). Also called: Familial hypoplastic, glomerulocystic kidney; MATURITY-ONSET DIABETES OF THE YOUNG, TYPE 5. Identifiers: Orphanet 93111, MedGen C0431693, MONDO:0007669, OMIM 137920.

Submission:

Institute of Human Genetics, FAU Erlangen, Friedrich-Alexander-Universität Erlangen-Nürnberg
Classification: Pathogenic for Renal cysts and diabetes syndrome. Last evaluated: 2019-07-06. Review status: criteria provided, single submitter. Criteria: ACMG Guidelines, 2015. Collection method: literature only. Allele origin: germline. Affected: yes.
Comment: This variant and it's classification has been reported by Vasileiou et al. 2019; DOI:10.1101/576918. The variants has previously been reported in PMID:25700310; PMID:16371430; PMID:25536396 as "c.931C>T; c.931C>T" with clinical significance Pathogenic. It has been re-classified using InterVar and manual curation as Pathogenic based on PVS1 PM2 PP3.

Literature cited by the submitters: PubMed 25700310; PubMed 16371430; PubMed 25536396; DOI 10.1101/576918.

NM_000458.4(HNF1B):c.931C>T (p.Gln311Ter)

Gene: HNF1B (HNF1 homeobox B; minus strand). Cytogenetic location: 17q12.
Variant type: single nucleotide variant.
Coding change: c.931C>T on transcript NM_000458.4 (MANE Select); coding-DNA position 931, C replaced by T.
Protein change: p.Gln311Ter; replaces glutamine 311 with a stop codon.
Molecular consequence: nonsense.
Genome position (GRCh38, 1-based): chr17:37,731,709, G>A on the plus strand (C>T on the coding strand, the complement: HNF1B is on the minus strand). VCF-style: chr17-37731709-G-A. GRCh37 (hg19) VCF-style: chr17-36091700-G-A.
Other names: c.853C>T, p.Gln285Ter (NM_001165923.4, NM_001304286.2); short protein forms Q311*, Q285*.
Identifiers: ClinVar variation 635625 (VCV000635625.1), dbSNP rs2511801375, ClinGen allele CA398746641.